The following is an entry in ClinVar:

ClinVar aggregate classification (germline): Uncertain significance (1 of 4 stars; one submission).

Allele frequency attached by ClinVar (database versions not stated): gnomAD exomes below 0.00001.
gnomAD v4.1: 1 of 1,613,956 alleles (0.000062%); highest among the groups gnomAD compares: Non-Finnish European, 0.000085%; no homozygotes.

Submission:

Labcorp Genetics (formerly Invitae), Labcorp
Classification: Uncertain significance. Last evaluated: 2023-10-03. Review status: criteria provided, single submitter. Criteria: Invitae Variant Classification Sherloc (09022015). Collection method: clinical testing. Allele origin: germline.
Comment: This sequence change replaces aspartic acid, which is acidic and polar, with glutamic acid, which is acidic and polar, at codon 3960 of the ADGRV1 protein (p.Asp3960Glu). This variant is not present in population databases (gnomAD no frequency). This variant has not been reported in the literature in individuals affected with ADGRV1-related conditions. ClinVar contains an entry for this variant (Variation ID: 2126326). Advanced modeling of protein sequence and biophysical properties (such as structural, functional, and spatial information, amino acid conservation, physicochemical variation, residue mobility, and thermodynamic stability) performed at Invitae indicates that this missense variant is not expected to disrupt ADGRV1 protein function. In summary, the available evidence is currently insufficient to determine the role of this variant in disease. Therefore, it has been classified as a Variant of Uncertain Significance.

NM_032119.4(ADGRV1):c.11880C>A (p.Asp3960Glu)

Gene: ADGRV1 (adhesion G protein-coupled receptor V1; plus strand). Cytogenetic location: 5q14.3.
Variant type: single nucleotide variant.
Coding change: c.11880C>A on transcript NM_032119.4 (MANE Select); coding-DNA position 11880, C replaced by A.
Protein change: p.Asp3960Glu; replaces aspartic acid 3960 with glutamic acid.
Molecular consequence: missense variant. On other transcripts: non-coding transcript variant (1).
Genome position (GRCh38, 1-based): chr5:90,757,101, C>A. VCF-style: chr5-90757101-C-A. GRCh37 (hg19) VCF-style: chr5-90052918-C-A.
Other names: short protein forms D3960E.
Identifiers: ClinVar variation 2126326 (VCV002126326.4), dbSNP rs1755911181, ClinGen allele CA360371661.
Genomic context (GRCh38, chr5:90,757,101, plus strand): 5'-TGTAGTCCGGCTGGCTGGAAGCTTTGGGGCAGTAAATGTTTATTGGAAAGCATCACCAGA[C>A]AGTGCTGGCCTGGAAGACTTTAAACCATCTCATGGGATTCTTGAATTTGCAGATAAACAG-3'
Protein context (NP_115495.3, residues 3950-3970): AVNVYWKASP[Asp3960Glu]SAGLEDFKPS